The following is an entry in ClinVar:

NM_000141.5(FGFR2):c.2301+1756G>A

Gene: FGFR2 (fibroblast growth factor receptor 2; minus strand). Cytogenetic location: 10q26.13.
Variant type: single nucleotide variant.
Coding change: c.2301+1756G>A on transcript NM_000141.5 (MANE Select); 1756 bases into the intron after coding-DNA position 2301, G replaced by A.
Molecular consequence: intron variant. On other transcripts: 3 prime UTR variant (2).
Genome position (GRCh38, 1-based): chr10:121,481,942, C>T on the plus strand (G>A on the coding strand, the complement: FGFR2 is on the minus strand). VCF-style: chr10-121481942-C-T. GRCh37 (hg19) VCF-style: chr10-123241456-C-T.
Other names: c.*230G>A (NM_001144913.1, NM_001144919.2); c.1965+1756G>A (NM_001144914.1); c.1950+1756G>A (NM_001144918.2, NM_001441091.1); c.1956+1756G>A (NM_001441090.1, NM_001144916.2); c.2028+1756G>A (NM_001441089.1); c.2034+1756G>A (NM_023029.3, NM_001144915.2); c.2031+1756G>A (NM_001441088.1); c.1953+1756G>A (NM_001144917.2); and 4 more.
Identifiers: ClinVar variation 2640888 (VCV002640888.24), dbSNP rs561597310, ClinGen allele CA214952770.
Genomic context (GRCh38, chr10:121,481,942, plus strand): 5'-GCTGGAATGCAATGGCATGATCTCGGCTCACTGCAACCTCCGCCTCCCCGGTTCAAGTGA[C>T]TCTCCTGCCTCAGCCTCCCGGAGTAGCTGGGATTACAGGTGCACACCAACACGCCCGGCT-3'

ClinVar aggregate classification (germline): Benign (1 of 4 stars; one submission).

Allele frequency attached by ClinVar (database versions not stated): gnomAD exomes 0.00024; 1000 Genomes Project 0.00200; TOPMed 0.00213; 1000 Genomes Project 30x 0.00234.
gnomAD v4.1: 333 of 321,338 alleles (0.1%); highest among the groups gnomAD compares: African/African-American, 0.68%; no homozygotes.

Submission:

CeGaT Center for Human Genetics Tuebingen
Classification: Benign. Last evaluated: 2025-06-01. Review status: criteria provided, single submitter. Criteria: CeGaT Center For Human Genetics Tuebingen Variant Classification Criteria Version 2. Collection method: clinical testing. Allele origin: germline. Affected: yes. Observed: 2 variant alleles.
Comment: FGFR2: BS1, BS2